The following is an entry in ClinVar:

ClinVar aggregate classification (germline): Uncertain significance (1 of 4 stars; one submission).

Conditions:
Hereditary cancer-predisposing syndrome. Also called: Neoplastic Syndromes, Hereditary; Tumor predisposition; Hereditary neoplastic syndrome; Hereditary Cancer Syndrome. Identifiers: Orphanet 140162, MedGen C0027672, MeSH D009386, MONDO:0015356.

gnomAD v4.1: 2 of 1,613,410 alleles (0.00012%); highest among the groups gnomAD compares: Non-Finnish European, 0.00017%; no homozygotes.

Submission:

Ambry Genetics
Classification: Uncertain significance for Hereditary cancer-predisposing syndrome. Last evaluated: 2026-07-07. Review status: criteria provided, single submitter. Criteria: Ambry Variant Classification Scheme 2023. Collection method: clinical testing. Allele origin: germline.
Comment: The p.K226R variant (also known as c.677A>G), located in coding exon 4 of the PDGFRA gene, results from an A to G substitution at nucleotide position 677. The lysine at codon 226 is replaced by arginine, an amino acid with highly similar properties. This amino acid position is conserved. In addition, this alteration is predicted to be tolerated by in silico analysis. Based on the available evidence, the clinical significance of this variant remains unclear.

NM_006206.6(PDGFRA):c.677A>G (p.Lys226Arg)

Gene: PDGFRA (platelet derived growth factor receptor alpha; plus strand). Cytogenetic location: 4q12.
Variant type: single nucleotide variant.
Coding change: c.677A>G on transcript NM_006206.6 (MANE Select); coding-DNA position 677, A replaced by G.
Protein change: p.Lys226Arg; replaces lysine 226 with arginine.
Molecular consequence: missense variant.
Genome position (GRCh38, 1-based): chr4:54,264,967, A>G. VCF-style: chr4-54264967-A-G. GRCh37 (hg19) VCF-style: chr4-55131134-A-G.
Other names: c.677A>G, p.Lys226Arg (NM_001347827.2, NM_001347829.2); c.752A>G, p.Lys251Arg (NM_001347828.2); c.716A>G, p.Lys239Arg (NM_001347830.2); short protein forms K226R, K239R, K251R.
Identifiers: ClinVar variation 5026420 (VCV005026420.1).